The following is an entry in ClinVar:

ClinVar aggregate classification (germline): Uncertain significance (1 of 4 stars; one submission).

Submission:

GeneDx
Classification: Uncertain significance. Last evaluated: 2024-05-22. Review status: criteria provided, single submitter. Criteria: GeneDx Variant Classification Process June 2021. Collection method: clinical testing. Allele origin: germline. Affected: yes.
Comment: Not observed at significant frequency in large population cohorts (gnomAD); In silico analysis indicates that this missense variant does not alter protein structure/function; Has not been previously published as pathogenic or benign to our knowledge

NM_005068.3(SIM1):c.2143G>A (p.Gly715Arg)

Gene: SIM1 (SIM bHLH transcription factor 1; minus strand). Cytogenetic location: 6q16.3.
Variant type: single nucleotide variant.
Coding change: c.2143G>A on transcript NM_005068.3 (MANE Select); coding-DNA position 2143, G replaced by A.
Protein change: p.Gly715Arg; replaces glycine 715 with arginine.
Molecular consequence: missense variant.
Genome position (GRCh38, 1-based): chr6:100,390,519, C>T on the plus strand (G>A on the coding strand, the complement: SIM1 is on the minus strand). VCF-style: chr6-100390519-C-T. GRCh37 (hg19) VCF-style: chr6-100838395-C-T.
Other names: c.2143G>A, p.Gly715Arg (NM_001374769.1); short protein forms G715R.
Identifiers: ClinVar variation 3381320 (VCV003381320.1).